The following is an entry in ClinVar:

NM_004304.5(ALK):c.2068G>A (p.Ala690Thr)

Gene: ALK (ALK receptor tyrosine kinase; minus strand). Cytogenetic location: 2p23.2.
Variant type: single nucleotide variant.
Coding change: c.2068G>A on transcript NM_004304.5 (MANE Select); coding-DNA position 2068, G replaced by A.
Protein change: p.Ala690Thr; replaces alanine 690 with threonine.
Molecular consequence: missense variant.
Genome position (GRCh38, 1-based): chr2:29,251,241, C>T on the plus strand (G>A on the coding strand, the complement: ALK is on the minus strand). VCF-style: chr2-29251241-C-T. GRCh37 (hg19) VCF-style: chr2-29474107-C-T.
Other names: c.2068G>A (NM_004304.4); short protein forms A690T.
Identifiers: ClinVar variation 1381263 (VCV001381263.8), dbSNP rs375105843, ClinGen allele CA1594442.

ClinVar aggregate classification (germline): Uncertain significance. Review status: criteria provided, multiple submitters, no conflicts (2 of 4 stars). 2 submissions from 2 submitters: Uncertain significance (2). Last evaluated 2025-10-14.

Conditions:
Hereditary cancer-predisposing syndrome. Also called: Tumor predisposition; Hereditary neoplastic syndrome; Neoplastic Syndromes, Hereditary; Hereditary Cancer Syndrome. Identifiers: Orphanet 140162, MedGen C0027672, MeSH D009386, MONDO:0015356.
Neuroblastoma, susceptibility to, 3. Also called: ALK-Related Neuroblastic Tumor Susceptibility. Identifiers: Orphanet 635, MedGen C2751681, MONDO:0013083, OMIM 613014.

Allele frequency attached by ClinVar (database versions not stated): gnomAD exomes below 0.00001.
gnomAD v4.1: 1 of 1,613,910 alleles (0.000062%); highest among the groups gnomAD compares: Admixed American, 0.0017%; no homozygotes.

Submissions (2):

Ambry Genetics
Classification: Uncertain significance for Hereditary cancer-predisposing syndrome. Last evaluated: 2025-10-14. Review status: criteria provided, single submitter. Criteria: Ambry Variant Classification Scheme 2023. Collection method: clinical testing. Allele origin: germline.
Comment: The p.A690T variant (also known as c.2068G>A), located in coding exon 12 of the ALK gene, results from a G to A substitution at nucleotide position 2068. The alanine at codon 690 is replaced by threonine, an amino acid with similar properties. This amino acid position is conserved. In addition, the in silico prediction for this alteration is inconclusive. Since supporting evidence is limited at this time, the clinical significance of this alteration remains unclear.

Labcorp Genetics (formerly Invitae), Labcorp
Classification: Uncertain significance for Neuroblastoma, susceptibility to, 3. Last evaluated: 2021-08-24. Review status: criteria provided, single submitter. Criteria: Invitae Variant Classification Sherloc (09022015). Collection method: clinical testing. Allele origin: germline.
Comment: This sequence change replaces alanine with threonine at codon 690 of the ALK protein (p.Ala690Thr). The alanine residue is highly conserved and there is a small physicochemical difference between alanine and threonine. In summary, the available evidence is currently insufficient to determine the role of this variant in disease. Therefore, it has been classified as a Variant of Uncertain Significance. Algorithms developed to predict the effect of missense changes on protein structure and function (SIFT, PolyPhen-2, Align-GVGD) all suggest that this variant is likely to be disruptive. This variant has not been reported in the literature in individuals affected with ALK-related conditions. This variant is present in population databases (rs375105843, ExAC 0.009%).